The following is an entry in ClinVar:

ClinVar aggregate classification (germline): Uncertain significance (1 of 4 stars; one submission).

Allele frequency attached by ClinVar (database versions not stated): gnomAD exomes below 0.00001 and 0.00001; ExAC 0.00001; gnomAD 0.00001; TOPMed 0.00002.
gnomAD v4.1: 11 of 1,612,984 alleles (0.00068%); highest among the groups gnomAD compares: Non-Finnish European, 0.00093%; no homozygotes.

Submission:

Labcorp Genetics (formerly Invitae), Labcorp
Classification: Uncertain significance. Last evaluated: 2022-03-10. Review status: criteria provided, single submitter. Criteria: Invitae Variant Classification Sherloc (09022015). Collection method: clinical testing. Allele origin: germline.
Comment: This sequence change replaces aspartic acid, which is acidic and polar, with asparagine, which is neutral and polar, at codon 1226 of the LRRK1 protein (p.Asp1226Asn). In summary, the available evidence is currently insufficient to determine the role of this variant in disease. Therefore, it has been classified as a Variant of Uncertain Significance. Algorithms developed to predict the effect of missense changes on protein structure and function are either unavailable or do not agree on the potential impact of this missense change (SIFT: "Deleterious"; PolyPhen-2: "Probably Damaging"; Align-GVGD: "Class C0"). This variant has not been reported in the literature in individuals affected with LRRK1-related conditions. This variant is present in population databases (rs751030086, gnomAD 0.002%).

NM_024652.6(LRRK1):c.3676G>A (p.Asp1226Asn)

Genes: LRRK1 (leucine rich repeat kinase 1; plus strand), LRRK1-AS1 (LRRK1 antisense RNA 1; minus strand). Cytogenetic location: 15q26.3.
Variant type: single nucleotide variant.
Coding change: c.3676G>A on transcript NM_024652.6 (MANE Select); coding-DNA position 3676, G replaced by A.
Protein change: p.Asp1226Asn; replaces aspartic acid 1226 with asparagine.
Molecular consequence: missense variant.
Genome position (GRCh38, 1-based): chr15:101,051,947, G>A. VCF-style: chr15-101051947-G-A. GRCh37 (hg19) VCF-style: chr15-101592152-G-A.
Other names: short protein forms D1226N.
Identifiers: ClinVar variation 1395192 (VCV001395192.8), dbSNP rs751030086, ClinGen allele CA7761590.